The following is an entry in ClinVar:

NM_000443.4(ABCB4):c.2212A>C (p.Ile738Leu)

Gene: ABCB4 (ATP binding cassette subfamily B member 4; minus strand). Cytogenetic location: 7q21.12.
Variant type: single nucleotide variant.
Coding change: c.2212A>C on transcript NM_000443.4 (MANE Select); coding-DNA position 2212, A replaced by C.
Protein change: p.Ile738Leu; replaces isoleucine 738 with leucine.
Molecular consequence: missense variant.
Genome position (GRCh38, 1-based): chr7:87,422,225, T>G on the plus strand (A>C on the coding strand, the complement: ABCB4 is on the minus strand). VCF-style: chr7-87422225-T-G. GRCh37 (hg19) VCF-style: chr7-87051541-T-G.
Other names: c.2212A>C, p.Ile738Leu (NM_018849.3, NM_018850.3); short protein forms I738L.
Identifiers: ClinVar variation 909967 (VCV000909967.5), dbSNP rs1265968550, ClinGen allele CA368063442.

ClinVar aggregate classification (germline): Uncertain significance. Review status: criteria provided, multiple submitters, no conflicts (2 of 4 stars). 2 submissions from 2 submitters: Uncertain significance (2). Last evaluated 2026-04-14.

Conditions:
Cholestasis, intrahepatic, of pregnancy, 3. Identifiers: Orphanet 69665, MedGen C3554241, MONDO:0013995, OMIM 614972.
Low phospholipid associated cholelithiasis (GBD1). Also called: Gallstone cholecystitis; Gallbladder disease 1. Identifiers: Orphanet 69663, MedGen C2609268, MONDO:0010939, OMIM 600803.
Familial intrahepatic cholestasis. Identifiers: Orphanet 284385, MedGen CN296401, MONDO:0017290.

gnomAD v4.1: 3 of 1,611,248 alleles (0.00019%); highest among the groups gnomAD compares: Non-Finnish European, 0.00017%; no homozygotes.

Submissions (2):

Genomenon, Inc
Classification: Uncertain significance for Familial intrahepatic cholestasis; Low phospholipid associated cholelithiasis. Last evaluated: 2026-04-14. Review status: criteria provided, single submitter. Criteria: Genomenon Sequence Variant Interpretation Standards - Updated. Collection method: curation. Allele origin: germline. Affected: yes.
Comment: ABCB4 p.Ile738Leu (c.2212A>C) is a missense variant that changes the amino acid at residue 738 from Isoleucine to Leucine. This variant has been observed in at least one proband with an ABCB4-related disorder (PMID:18482588). It is absent or not present at a significant frequency in gnomAD. In silico models predict that this variant is possibly or probably damaging. In conclusion, we classify ABCB4 p.Ile738Leu (c.2212A>C) as a variant of uncertain significance.

Illumina Laboratory Services, Illumina
Classification: Uncertain significance for Cholestasis, intrahepatic, of pregnancy, 3. Last evaluated: 2017-04-27. Review status: criteria provided, single submitter. Criteria: ICSL Variant Classification Criteria 13 December 2019. Collection method: clinical testing. Allele origin: germline.
Comment: This variant was observed as part of a predisposition screen in an ostensibly healthy population. A literature search was performed for the gene, cDNA change, and amino acid change (where applicable). Publications were found based on this search. However, the evidence from the literature, in combination with allele frequency data from public databases where available, was not sufficient to rule this variant in or out of causing disease. Therefore, this variant is classified as a variant of unknown significance.

Literature cited by the submitters: PubMed 18482588 (cited by Genomenon, Inc and Illumina Laboratory Services, Illumina).